The following is an entry in ClinVar:

NM_001048174.2(MUTYH):c.115+2_115+3dup

Gene: MUTYH (mutY DNA glycosylase; minus strand). Cytogenetic location: 1p34.1.
Variant type: Duplication.
Coding change: c.115+2_115+3dup on transcript NM_001048174.2 (MANE Select); the canonical splice donor site of the intron after coding-DNA position 115 through 3 bases into the intron after coding-DNA position 115, 2 bases duplicated (TA; older notation c.115+2_115+3dupTA).
Molecular consequence: splice donor variant.
Genome position (GRCh38, 1-based): chr1:45,334,388-45,334,389, TA duplicated on the plus strand (TA on the coding strand, the reverse complement: MUTYH is on the minus strand). VCF-style (leftmost placement, unchanged base first): chr1-45334387-T-TTA. GRCh37 (hg19) VCF-style: chr1-45800059-T-TTA.
Other names: c.157+2_157+3dupTA (NM_001128425.1); c.-93+2_-93+3dup (NM_001350651.2); c.-98+2_-98+3dup (NM_001293192.2, NM_001293196.2); c.-157+2_-157+3dup (NM_001350650.2); c.115+2_115+3dup (NM_001048171.2, NM_001048173.2, NM_001048172.2 and 2 more transcripts); c.157+2_157+3dup (NM_001293190.2, NM_012222.3, NM_001128425.2).
Identifiers: ClinVar variation 505661 (VCV000505661.4), dbSNP rs1553131287, ClinGen allele CA658795459.

ClinVar aggregate classification (germline): Uncertain significance (1 of 4 stars; one submission).

Submission:

Laboratory for Molecular Medicine, Mass General Brigham Personalized Medicine
Classification: Uncertain significance. Last evaluated: 2017-03-20. Review status: criteria provided, single submitter. Criteria: LMM Criteria. Collection method: clinical testing. Allele origin: germline. Observed: 1 variant allele.
Comment: The c.157+2_157+3dup variant in MUTYH has not been previously reported in any in dividuals with MUTYH-associated polyposis and was absent from large population s tudies, though the ability of these studies to accurately detect indels may be l imited. This variant is located in the 5' splice region. Computational tools sug gest an impact to splicing. However, this information is not predictive enough t o determine pathogenicity. In summary, the clinical significance of the c.157+2_ 157+3dup variant is uncertain.